The following is an entry in ClinVar:

ClinVar aggregate classification (germline): Uncertain significance. Review status: criteria provided, multiple submitters, no conflicts (2 of 4 stars). 2 submissions from 2 submitters: Uncertain significance (2). Last evaluated 2024-03-05.

Conditions:
Arrhythmogenic right ventricular dysplasia 9 (ARVD9). Also called: ARRHYTHMOGENIC RIGHT VENTRICULAR DYSPLASIA, FAMILIAL, 9; Arrhythmogenic Right Ventricular Dysplasia/Cardiomyopathy 9. Identifiers: MedGen C1836906, MONDO:0012180, OMIM 609040.
Arrhythmogenic right ventricular cardiomyopathy (ARVD). Also called: Arrhythmogenic right ventricular dysplasia; Cardiomyopathy, ARVC; Arrhythmogenic cardiomyopathy; Arrhythmogenic Right Ventricular Cardiomyopathy (ARVC). Identifiers: Orphanet 247, MedGen C0349788, MeSH D019571, MONDO:0016587. Disease mechanism: loss of function. Inheritance: Various modes of inheritance.

Submissions (2):

All of Us Research Program, National Institutes of Health
Classification: Uncertain significance for Arrhythmogenic right ventricular cardiomyopathy. Last evaluated: 2024-03-05. Review status: criteria provided, single submitter. Criteria: ACMG Guidelines, 2015. Collection method: clinical testing. Allele origin: germline. Inheritance: Autosomal dominant inheritance. Observed: 2 variant alleles, 2 heterozygotes.
Comment: This missense variant replaces alanine with threonine at codon 205 of the PKP2 protein. Computational prediction suggests that this variant may not impact protein structure and function (internally defined REVEL score threshold <= 0.5, PMID: 27666373). To our knowledge, functional studies have not been reported for this variant. This variant has not been reported in individuals affected with PKP2-related disorders in the literature. This variant has not been identified in the general population by the Genome Aggregation Database (gnomAD). The available evidence is insufficient to determine the role of this variant in disease conclusively. Therefore, this variant is classified as a Variant of Uncertain Significance.

This study involves interpretation of variants in research participants for the purpose of population health screening. Participant phenotype was not available at the time of variant classification. Additional details can be found in publication PMID: 35346344, PMCID: PMC8962531

Labcorp Genetics (formerly Invitae), Labcorp
Classification: Uncertain significance for Arrhythmogenic right ventricular dysplasia 9. Last evaluated: 2022-09-12. Review status: criteria provided, single submitter. Criteria: Invitae Variant Classification Sherloc (09022015). Collection method: clinical testing. Allele origin: germline.
Comment: This variant has not been reported in the literature in individuals affected with PKP2-related conditions. This variant is not present in population databases (gnomAD no frequency). This sequence change replaces alanine, which is neutral and non-polar, with threonine, which is neutral and polar, at codon 205 of the PKP2 protein (p.Ala205Thr). In summary, the available evidence is currently insufficient to determine the role of this variant in disease. Therefore, it has been classified as a Variant of Uncertain Significance. Algorithms developed to predict the effect of missense changes on protein structure and function output the following: SIFT: "Tolerated"; PolyPhen-2: "Benign"; Align-GVGD: "Class C0". The threonine amino acid residue is found in multiple mammalian species, which suggests that this missense change does not adversely affect protein function.

NM_001005242.3(PKP2):c.613G>A (p.Ala205Thr)

Gene: PKP2 (plakophilin 2; minus strand). Cytogenetic location: 12p11.21.
Variant type: single nucleotide variant.
Coding change: c.613G>A on transcript NM_001005242.3 (MANE Select); coding-DNA position 613, G replaced by A.
Protein change: p.Ala205Thr; replaces alanine 205 with threonine.
Molecular consequence: missense variant.
Genome position (GRCh38, 1-based): chr12:32,878,267, C>T on the plus strand (G>A on the coding strand, the complement: PKP2 is on the minus strand). VCF-style: chr12-32878267-C-T. GRCh37 (hg19) VCF-style: chr12-33031201-C-T.
Other names: c.613G>A, p.Ala205Thr (NM_001407155.1, NM_001407156.1, NM_001407157.1 and 2 more transcripts); c.286G>A, p.Ala96Thr (NM_001407158.1, NM_001407159.1, NM_001407160.1 and 1 more transcripts); short protein forms A205T, A96T.
Identifiers: ClinVar variation 2185466 (VCV002185466.5), dbSNP rs2541340967, ClinGen allele CA384364039.
Genomic context (GRCh38, chr12:32,878,267, plus strand): 5'-AGCCATGCTGGTACTGTCTGTGGTATGTGTCAAAGTGGCGCTGCCTGCTTGTGGTGCCAG[C>T]ACGGCTGACCCCCACGATCTCGGAACGAGCATATCTCGGTGGCACTAGGAGGGCGGCCCG-3'
Protein context (NP_001005242.2, residues 195-215): ARSEIVGVSR[Ala205Thr]GTTSRQRHFD